The following is an entry in ClinVar:

ClinVar aggregate classification (germline): Uncertain significance. Review status: criteria provided, multiple submitters, no conflicts (2 of 4 stars). 2 submissions from 2 submitters: Uncertain significance (2). Last evaluated 2025-04-12.

Conditions:
Inborn genetic diseases. Identifiers: MedGen C0950123, MeSH D030342.

Allele frequency attached by ClinVar (database versions not stated): gnomAD exomes 0.00004 and 0.00001; ESP Exome Variant Server 0.00008; TOPMed 0.00003; ExAC 0.00001; gnomAD 0.00002.

Submissions (2):

Ambry Genetics
Classification: Uncertain significance for Inborn genetic diseases. Last evaluated: 2025-04-12. Review status: criteria provided, single submitter. Criteria: Ambry Variant Classification Scheme 2023. Collection method: clinical testing. Allele origin: germline.

Labcorp Genetics (formerly Invitae), Labcorp
Classification: Uncertain significance. Last evaluated: 2020-11-22. Review status: criteria provided, single submitter. Criteria: Invitae Variant Classification Sherloc (09022015). Collection method: clinical testing. Allele origin: germline.
Comment: This variant has not been reported in the literature in individuals with SEC24D-related conditions. This variant is present in population databases (rs377742857, ExAC 0.001%). This sequence change replaces methionine with isoleucine at codon 190 of the SEC24D protein (p.Met190Ile). The methionine residue is weakly conserved and there is a small physicochemical difference between methionine and isoleucine. Algorithms developed to predict the effect of missense changes on protein structure and function are either unavailable or do not agree on the potential impact of this missense change (SIFT: "Not Available"; PolyPhen-2: "Benign"; Align-GVGD: "Not Available"). In summary, the available evidence is currently insufficient to determine the role of this variant in disease. Therefore, it has been classified as a Variant of Uncertain Significance.

NM_014822.4(SEC24D):c.570G>A (p.Met190Ile)

Gene: SEC24D (SEC24 homolog D, COPII component; minus strand). Cytogenetic location: 4q26.
Variant type: single nucleotide variant.
Coding change: c.570G>A on transcript NM_014822.4 (MANE Select); coding-DNA position 570, G replaced by A.
Protein change: p.Met190Ile; replaces methionine 190 with isoleucine.
Molecular consequence: missense variant.
Genome position (GRCh38, 1-based): chr4:118,815,554, C>T on the plus strand (G>A on the coding strand, the complement: SEC24D is on the minus strand). VCF-style: chr4-118815554-C-T. GRCh37 (hg19) VCF-style: chr4-119736709-C-T.
Other names: c.570G>A, p.Met190Ile (NM_001318066.2); c.570G>A (NM_014822.2); short protein forms M190I.
Identifiers: ClinVar variation 1411347 (VCV001411347.5), dbSNP rs377742857, ClinGen allele CA3057512.